The following is an entry in ClinVar:

ClinVar aggregate classification (germline): Uncertain significance. Review status: criteria provided, multiple submitters, no conflicts (2 of 4 stars). 2 submissions from 2 submitters: Uncertain significance (2). Last evaluated 2023-09-20.

Conditions:
Cardiovascular phenotype. Identifiers: MedGen CN230736.

Allele frequency attached by ClinVar (database versions not stated): TOPMed 0.00002; gnomAD 0.00003.
gnomAD v4.1: 28 of 1,606,524 alleles (0.0017%); highest among the groups gnomAD compares: African/African-American, 0.0053%; no homozygotes.

Submissions (2):

Ambry Genetics
Classification: Uncertain significance for Cardiovascular phenotype. Last evaluated: 2023-09-20. Review status: criteria provided, single submitter. Criteria: Ambry Variant Classification Scheme 2023. Collection method: clinical testing. Allele origin: germline.

GeneDx
Classification: Uncertain significance. Last evaluated: 2023-09-15. Review status: criteria provided, single submitter. Criteria: GeneDx Variant Classification Process June 2021. Collection method: clinical testing. Allele origin: germline. Affected: yes.
Comment: Has not been previously published as pathogenic or benign to our knowledge; Not observed at significant frequency in large population cohorts (gnomAD); In silico analysis supports that this missense variant has a deleterious effect on protein structure/function

NM_001365276.2(TNXB):c.10498C>T (p.Arg3500Cys)

Gene: TNXB (tenascin XB; minus strand). Cytogenetic location: 6p21.33.
Variant type: single nucleotide variant.
Coding change: c.10498C>T on transcript NM_001365276.2 (MANE Select); coding-DNA position 10498, C replaced by T.
Protein change: p.Arg3500Cys; replaces arginine 3500 with cysteine.
Molecular consequence: missense variant.
Genome position (GRCh38, 1-based): chr6:32,046,283, G>A on the plus strand (C>T on the coding strand, the complement: TNXB is on the minus strand). VCF-style: chr6-32046283-G-A. GRCh37 (hg19) VCF-style: chr6-32014060-G-A.
Other names: c.10492C>T, p.Arg3498Cys (NM_019105.8); short protein forms R3498C, R3500C.
Identifiers: ClinVar variation 2662931 (VCV002662931.2), dbSNP rs750321615, ClinGen allele CA3733209.